The following is an entry in ClinVar:

NM_001112704.2(VAX1):c.821G>T (p.Ser274Ile)

Gene: VAX1 (ventral anterior homeobox 1; minus strand). Cytogenetic location: 10q25.3.
Variant type: single nucleotide variant.
Coding change: c.821G>T on transcript NM_001112704.2 (MANE Select); coding-DNA position 821, G replaced by T.
Protein change: p.Ser274Ile; replaces serine 274 with isoleucine.
Molecular consequence: missense variant. On other transcripts: intron variant (1).
Genome position (GRCh38, 1-based): chr10:117,134,192, C>A on the plus strand (G>T on the coding strand, the complement: VAX1 is on the minus strand). VCF-style: chr10-117134192-C-A. GRCh37 (hg19) VCF-style: chr10-118893703-C-A.
Other names: c.430-1715G>T (NM_199131.3); short protein forms S274I.
Identifiers: ClinVar variation 1899584 (VCV001899584.5), dbSNP rs1255216202, ClinGen allele CA378556403.
Genomic context (GRCh38, chr10:117,134,192, plus strand): 5'-GTTAACGGGGCGGAGGACAGGCGGCTGGCGACGGAGCCGAGCAGCGAGGGCACCGGCAGG[C>A]TGAAGAGGCTGTGGCCCGCGGCCGGGGCGCCTGCGTGCAATCCCCCCGGCCCGGCGGGCC-3'
Protein context (NP_001106175.1, residues 264-284): GAPAAGHSLF[Ser274Ile]LPVPSLLGSV

ClinVar aggregate classification (germline): Uncertain significance (1 of 4 stars; one submission).

Conditions:
Microphthalmia, syndromic 11 (MCOPS11). Identifiers: MedGen C3553077, MONDO:0013734, OMIM 614402.

Submission:

Labcorp Genetics (formerly Invitae), Labcorp
Classification: Uncertain significance for Microphthalmia, syndromic 11. Last evaluated: 2022-05-16. Review status: criteria provided, single submitter. Criteria: Invitae Variant Classification Sherloc (09022015). Collection method: clinical testing. Allele origin: germline.
Comment: This variant has not been reported in the literature in individuals affected with VAX1-related conditions. Algorithms developed to predict the effect of missense changes on protein structure and function are either unavailable or do not agree on the potential impact of this missense change (SIFT: "Deleterious"; PolyPhen-2: "Probably Damaging"; Align-GVGD: "Class C0"). In summary, the available evidence is currently insufficient to determine the role of this variant in disease. Therefore, it has been classified as a Variant of Uncertain Significance. This variant is not present in population databases (gnomAD no frequency). This sequence change replaces serine, which is neutral and polar, with isoleucine, which is neutral and non-polar, at codon 274 of the VAX1 protein (p.Ser274Ile).